The following is an entry in ClinVar:

NM_000426.4(LAMA2):c.2208+112G>T

Gene: LAMA2 (laminin subunit alpha 2; plus strand). Cytogenetic location: 6q22.33.
Variant type: single nucleotide variant.
Coding change: c.2208+112G>T on transcript NM_000426.4 (MANE Select); 112 bases into the intron after coding-DNA position 2208, G replaced by T.
Molecular consequence: intron variant.
Genome position (GRCh38, 1-based): chr6:129,260,934, G>T. VCF-style: chr6-129260934-G-T. GRCh37 (hg19) VCF-style: chr6-129582079-G-T.
Other names: c.2208+112G>T (NM_001079823.2).
Identifiers: ClinVar variation 682908 (VCV000682908.2), dbSNP rs737515, ClinGen allele CA146877997.

ClinVar aggregate classification (germline): Likely benign. Review status: criteria provided, multiple submitters, no conflicts (2 of 4 stars). 2 submissions from 2 submitters: Likely benign (2). Last evaluated 2018-06-16.

Allele frequency attached by ClinVar (database versions not stated): gnomAD 0.02486; TOPMed 0.03742; 1000 Genomes Project 30x 0.06949; 1000 Genomes Project 0.07288.
gnomAD v4.1: 28,368 of 730,672 alleles (3.9%); highest among the groups gnomAD compares: East Asian, 17%; 1,494 homozygotes.

Submissions (2):

GeneDx
Classification: Likely benign. Last evaluated: 2018-06-16. Review status: criteria provided, single submitter. Criteria: GeneDx Variant Classification (06012015). Collection method: clinical testing. Allele origin: germline. Affected: yes.
Comment: This variant is considered likely benign or benign based on one or more of the following criteria: it is a conservative change, it occurs at a poorly conserved position in the protein, it is predicted to be benign by multiple in silico algorithms, and/or has population frequency not consistent with disease.

Breakthrough Genomics
Classification: Likely benign. Review status: criteria provided, single submitter. Criteria: ACMG Guidelines, 2015. Collection method: not provided. Allele origin: germline. Inheritance: Autosomal recessive inheritance. Affected: yes.